The following is an entry in ClinVar:

NM_004415.4(DSP):c.6469G>T (p.Asp2157Tyr)

Gene: DSP (desmoplakin; plus strand). Cytogenetic location: 6p24.3.
Variant type: single nucleotide variant.
Coding change: c.6469G>T on transcript NM_004415.4 (MANE Select); coding-DNA position 6469, G replaced by T.
Protein change: p.Asp2157Tyr; replaces aspartic acid 2157 with tyrosine.
Molecular consequence: missense variant.
Genome position (GRCh38, 1-based): chr6:7,583,731, G>T. VCF-style: chr6-7583731-G-T. GRCh37 (hg19) VCF-style: chr6-7583964-G-T.
Other names: c.4672G>T, p.Asp1558Tyr (NM_001008844.3); c.5140G>T, p.Asp1714Tyr (NM_001319034.2); short protein forms D1558Y, D1714Y, D2157Y.
Identifiers: ClinVar variation 4783816 (VCV004783816.1).

ClinVar aggregate classification (germline): Uncertain significance (1 of 4 stars; one submission).

Conditions:
Arrhythmogenic right ventricular dysplasia 8 (ARVD8). Also called: Arrhythmogenic Right Ventricular Dysplasia/Cardiomyopathy 8; ARRHYTHMOGENIC RIGHT VENTRICULAR DYSPLASIA, FAMILIAL, 8; ARRHYTHMOGENIC RIGHT VENTRICULAR CARDIOMYOPATHY 8. Identifiers: MedGen C1843896, MONDO:0011831, OMIM 607450.
Arrhythmogenic cardiomyopathy with wooly hair and keratoderma. Also called: PALMOPLANTAR KERATODERMA WITH LEFT VENTRICULAR CARDIOMYOPATHY AND WOOLLY HAIR; Arrhythmogenic cardiomyopathy with woolly hair and keratoderma; Carvajal syndrome; Dilated cardiomyopathy with woolly hair and keratoderma. Identifiers: Orphanet 65282, MedGen C1854063, MONDO:0011581, OMIM 605676.

Submission:

Labcorp Genetics (formerly Invitae), Labcorp
Classification: Uncertain significance for Arrhythmogenic cardiomyopathy with wooly hair and keratoderma; Arrhythmogenic right ventricular dysplasia 8. Last evaluated: 2025-12-31. Review status: criteria provided, single submitter. Criteria: Invitae Variant Classification Sherloc (09022015). Collection method: clinical testing. Allele origin: germline.
Comment: This sequence change replaces aspartic acid, which is acidic and polar, with tyrosine, which is neutral and polar, at codon 2157 of the DSP protein (p.Asp2157Tyr). This variant is not present in population databases (gnomAD no frequency). This variant has not been reported in the literature in individuals affected with DSP-related conditions. An algorithm developed to predict the effect of missense changes on protein structure and function (PolyPhen-2) suggests that this variant is likely to be disruptive. In summary, the available evidence is currently insufficient to determine the role of this variant in disease. Therefore, it has been classified as a Variant of Uncertain Significance.